The following is an entry in ClinVar:

NM_000038.6(APC):c.2873G>C (p.Arg958Thr)

Gene: APC (APC regulator of Wnt signaling pathway; plus strand). Cytogenetic location: 5q22.2.
Variant type: single nucleotide variant.
Coding change: c.2873G>C on transcript NM_000038.6 (MANE Select); coding-DNA position 2873, G replaced by C.
Protein change: p.Arg958Thr; replaces arginine 958 with threonine.
Molecular consequence: missense variant. On other transcripts: non-coding transcript variant (2).
Genome position (GRCh38, 1-based): chr5:112,838,467, G>C. VCF-style: chr5-112838467-G-C. GRCh37 (hg19) VCF-style: chr5-112174164-G-C.
Other names: c.2570G>C, p.Arg857Thr (NM_001354903.2, NM_001407458.1, NM_001407459.1 and 1 more transcripts); c.2495G>C, p.Arg832Thr (NM_001354904.2); c.2393G>C, p.Arg798Thr (NM_001354905.2); c.2024G>C, p.Arg675Thr (NM_001354906.2, NM_001407470.1); c.2957G>C, p.Arg986Thr (NM_001407446.1); c.2927G>C, p.Arg976Thr (NM_001407447.1, NM_001407448.1, NM_001407449.1 and 1 more transcripts); c.2873G>C, p.Arg958Thr (NM_001407450.1, NM_001127510.3, NM_001354895.2); c.2852G>C, p.Arg951Thr (NM_001407451.1); and 11 more; short protein forms R675T, R798T, R857T, R917T, R940T, R968T, R976T, R574T.
Identifiers: ClinVar variation 4825038 (VCV004825038.1).

ClinVar aggregate classification (germline): Uncertain significance (1 of 4 stars; one submission).

Conditions:
Hereditary cancer-predisposing syndrome. Also called: Neoplastic Syndromes, Hereditary; Tumor predisposition; Hereditary Cancer Syndrome; Hereditary neoplastic syndrome. Identifiers: Orphanet 140162, MedGen C0027672, MeSH D009386, MONDO:0015356.

Submission:

Ambry Genetics
Classification: Uncertain significance for Hereditary cancer-predisposing syndrome. Last evaluated: 2026-02-03. Review status: criteria provided, single submitter. Criteria: Ambry Variant Classification Scheme 2023. Collection method: clinical testing. Allele origin: germline.
Comment: The p.R958T variant (also known as c.2873G>C), located in coding exon 15 of the APC gene, results from a G to C substitution at nucleotide position 2873. The arginine at codon 958 is replaced by threonine, an amino acid with similar properties. This amino acid position is highly conserved in available vertebrate species. In addition, in silico predictors for this gene do not accurately predict pathogenicity. Missense variants in APC are not a common cause of disease (Spier I et al. Genet Med. 2024 Feb;26(2):100992). Based on the available evidence, the clinical significance of this variant remains unclear.